The following is an entry in ClinVar:

ClinVar aggregate classification (germline): Uncertain significance (1 of 4 stars; one submission).

Conditions:
Marfan syndrome (MFS). Also called: MARFAN SYNDROME, TYPE I; Marfan syndrome type 1; Marfan's syndrome; Marfan syndrome, classic; FBN1-Related Marfan Syndrome. Identifiers: Orphanet 284963, Orphanet 558, MedGen C0024796, MONDO:0007947, OMIM 154700.
Familial thoracic aortic aneurysm and aortic dissection (TAAD). Also called: Thoracic aortic aneurysms and dissections. Identifiers: Orphanet 91387, MedGen C4707243, MONDO:0019625.

Submission:

Labcorp Genetics (formerly Invitae), Labcorp
Classification: Uncertain significance for Marfan syndrome; Familial thoracic aortic aneurysm and aortic dissection. Last evaluated: 2025-01-23. Review status: criteria provided, single submitter. Criteria: Invitae Variant Classification Sherloc (09022015). Collection method: clinical testing. Allele origin: germline.
Comment: This sequence change replaces proline, which is neutral and non-polar, with threonine, which is neutral and polar, at codon 396 of the FBN1 protein (p.Pro396Thr). This variant is not present in population databases (gnomAD no frequency). This variant has not been reported in the literature in individuals affected with FBN1-related conditions. Invitae Evidence Modeling of protein sequence and biophysical properties (such as structural, functional, and spatial information, amino acid conservation, physicochemical variation, residue mobility, and thermodynamic stability) has been performed for this missense variant. However, the output from this modeling did not meet the statistical confidence thresholds required to predict the impact of this variant on FBN1 protein function. In summary, the available evidence is currently insufficient to determine the role of this variant in disease. Therefore, it has been classified as a Variant of Uncertain Significance.

NM_000138.5(FBN1):c.1186C>A (p.Pro396Thr)

Gene: FBN1 (fibrillin 1; minus strand). Cytogenetic location: 15q21.1.
Variant type: single nucleotide variant.
Coding change: c.1186C>A on transcript NM_000138.5 (MANE Select); coding-DNA position 1186, C replaced by A.
Protein change: p.Pro396Thr; replaces proline 396 with threonine.
Molecular consequence: missense variant.
Genome position (GRCh38, 1-based): chr15:48,516,324, G>T on the plus strand (C>A on the coding strand, the complement: FBN1 is on the minus strand). VCF-style: chr15-48516324-G-T. GRCh37 (hg19) VCF-style: chr15-48808521-G-T.
Other names: c.1186C>A, p.Pro396Thr (NM_001406716.1); short protein forms P396T.
Identifiers: ClinVar variation 3754092 (VCV003754092.2).